The following is an entry in ClinVar:

NM_000428.3(LTBP2):c.3479G>A (p.Cys1160Tyr)

Gene: LTBP2 (latent transforming growth factor beta binding protein 2; minus strand). Cytogenetic location: 14q24.3.
Variant type: single nucleotide variant.
Coding change: c.3479G>A on transcript NM_000428.3 (MANE Select); coding-DNA position 3479, G replaced by A.
Protein change: p.Cys1160Tyr; replaces cysteine 1160 with tyrosine.
Molecular consequence: missense variant.
Genome position (GRCh38, 1-based): chr14:74,508,877, C>T on the plus strand (G>A on the coding strand, the complement: LTBP2 is on the minus strand). VCF-style: chr14-74508877-C-T. GRCh37 (hg19) VCF-style: chr14-74975580-C-T.
Other names: short protein forms C1160Y.
Identifiers: ClinVar variation 1365206 (VCV001365206.6), dbSNP rs767872825, ClinGen allele CA7269155.

ClinVar aggregate classification (germline): Uncertain significance (1 of 4 stars; one submission).

Allele frequency attached by ClinVar (database versions not stated): gnomAD exomes below 0.00001; ExAC 0.00001.
gnomAD v4.1: 3 of 1,613,804 alleles (0.00019%); highest among the groups gnomAD compares: East Asian, 0.0022%; no homozygotes.

Submission:

Labcorp Genetics (formerly Invitae), Labcorp
Classification: Uncertain significance. Last evaluated: 2021-10-25. Review status: criteria provided, single submitter. Criteria: Invitae Variant Classification Sherloc (09022015). Collection method: clinical testing. Allele origin: germline.
Comment: In summary, the available evidence is currently insufficient to determine the role of this variant in disease. Therefore, it has been classified as a Variant of Uncertain Significance. Algorithms developed to predict the effect of missense changes on protein structure and function (SIFT, PolyPhen-2, Align-GVGD) all suggest that this variant is likely to be disruptive. This variant has not been reported in the literature in individuals affected with LTBP2-related conditions. This variant is present in population databases (rs767872825, ExAC 0.01%). This sequence change replaces cysteine with tyrosine at codon 1160 of the LTBP2 protein (p.Cys1160Tyr). The cysteine residue is highly conserved and there is a large physicochemical difference between cysteine and tyrosine.